The following is an entry in ClinVar:

NM_002911.4(UPF1):c.340T>C (p.Tyr114His)

Gene: UPF1 (UPF1 RNA helicase and ATPase; plus strand). Cytogenetic location: 19p13.11.
Variant type: single nucleotide variant.
Coding change: c.340T>C on transcript NM_002911.4 (MANE Select); coding-DNA position 340, T replaced by C.
Protein change: p.Tyr114His; replaces tyrosine 114 with histidine.
Molecular consequence: missense variant.
Genome position (GRCh38, 1-based): chr19:18,846,088, T>C. VCF-style: chr19-18846088-T-C. GRCh37 (hg19) VCF-style: chr19-18956897-T-C.
Other names: c.340T>C, p.Tyr114His (NM_001297549.2); short protein forms Y114H.
Identifiers: ClinVar variation 3764232 (VCV003764232.1).

ClinVar aggregate classification (germline): Uncertain significance (1 of 4 stars; one submission).

Submission:

GeneDx
Classification: Uncertain significance. Last evaluated: 2024-08-19. Review status: criteria provided, single submitter. Criteria: GeneDx Variant Classification Process June 2021. Collection method: clinical testing. Allele origin: germline. Affected: yes.
Comment: Not observed at significant frequency in large population cohorts (gnomAD); In silico analysis indicates that this missense variant does not alter protein structure/function; Has not been previously published as pathogenic or benign to our knowledge